The following is an entry in ClinVar:

ClinVar aggregate classification (germline): Conflicting classifications of pathogenicity. Review status: criteria provided, conflicting classifications (1 of 4 stars). 2 submissions from 2 submitters: Likely pathogenic (1); Uncertain significance (1). Last evaluated 2026-05-19.

Conditions:
Hereditary cancer-predisposing syndrome. Also called: Tumor predisposition; Neoplastic Syndromes, Hereditary; Hereditary Cancer Syndrome; Hereditary neoplastic syndrome. Identifiers: Orphanet 140162, MedGen C0027672, MeSH D009386, MONDO:0015356.
Familial cancer of breast. Also called: BREAST CANCER, FAMILIAL; Hereditary breast cancer; hereditary breast carcinoma. Identifiers: Orphanet 227535, MedGen C0346153, MONDO:0016419, OMIM 114480. Disease mechanism: loss of function.

Submissions (2):

Ambry Genetics
Classification: Uncertain significance for Hereditary cancer-predisposing syndrome. Last evaluated: 2026-05-19. Review status: criteria provided, single submitter. Criteria: Ambry Variant Classification Scheme 2023. Collection method: clinical testing. Allele origin: germline.
Comment: The c.364+1G>T intronic variant results from a G to T substitution one nucleotide after coding exon 3 of the BARD1 gene. Variants that disrupt the canonical splice site are expected to result in aberrant splicing. In silico splice site analysis predicts that this alteration will weaken the native splice donor site and may result in the creation or strengthening of a novel splice donor site. A resulting transcript is predicted to be in-frame and is not expected to trigger nonsense-mediated mRNAdecay; although, direct evidence is unavailable. This nucleotide position is highly conserved in available vertebrate species. Based on the available evidence, the clinical significance of this variant remains unclear.

Labcorp Genetics (formerly Invitae), Labcorp
Classification: Likely pathogenic for Familial cancer of breast. Last evaluated: 2022-11-15. Review status: criteria provided, single submitter. Criteria: Invitae Variant Classification Sherloc (09022015). Collection method: clinical testing. Allele origin: germline.
Comment: This variant is not present in population databases (gnomAD no frequency). This sequence change affects a donor splice site in intron 3 of the BARD1 gene. It is expected to disrupt RNA splicing. Variants that disrupt the donor or acceptor splice site typically lead to a loss of protein function (PMID: 16199547), and loss-of-function variants in BARD1 are known to be pathogenic (PMID: 20077502, 21344236). This variant has not been reported in the literature in individuals affected with BARD1-related conditions. In summary, the currently available evidence indicates that the variant is pathogenic, but additional data are needed to prove that conclusively. Therefore, this variant has been classified as Likely Pathogenic. Algorithms developed to predict the effect of sequence changes on RNA splicing suggest that this variant may disrupt the consensus splice site. ClinVar contains an entry for this variant (Variation ID: 1470221).

Literature cited by the submitters: PubMed 16199547 (cited by Labcorp Genetics (formerly Invitae), Labcorp); PubMed 20077502 (cited by Labcorp Genetics (formerly Invitae), Labcorp); PubMed 21344236 (cited by Labcorp Genetics (formerly Invitae), Labcorp).

NM_000465.4(BARD1):c.364+1G>T

Gene: BARD1 (BRCA1 associated RING domain 1; minus strand). Cytogenetic location: 2q35.
Variant type: single nucleotide variant.
Coding change: c.364+1G>T on transcript NM_000465.4 (MANE Select); the canonical splice donor site of the intron after coding-DNA position 364, G replaced by T.
Molecular consequence: splice donor variant. On other transcripts: intron variant (2).
Genome position (GRCh38, 1-based): chr2:214,792,296, C>A on the plus strand (G>T on the coding strand, the complement: BARD1 is on the minus strand). VCF-style: chr2-214792296-C-A. GRCh37 (hg19) VCF-style: chr2-215657020-C-A.
Other names: c.158+17116G>T (NM_001282548.2); c.307+1G>T (NM_001282543.2); c.215+4765G>T (NM_001282545.2); c.364+1G>T (NM_001282549.2, NM_000465.2).
Identifiers: ClinVar variation 1470221 (VCV001470221.10), dbSNP rs2106134408, ClinGen allele CA350460714.
Genomic context (GRCh38, chr2:214,792,296, plus strand): 5'-ATATGAATTCATCAGTTTTTAACTGATGAATTTAACTAAGAGAGATAGGGATAGTTCTTA[C>A]CTGACAGCTCATTGTCATGTAGCAAATTTCGAAGCTTACTACAAAGTTGAATCATGCTGT-3'